The following is an entry in ClinVar:

ClinVar aggregate classification (germline): Uncertain significance (1 of 4 stars; one submission).

Conditions:
Dilated cardiomyopathy 1HH (CMD1HH). Identifiers: Orphanet 154, MedGen C3151293, MONDO:0013479, OMIM 613881.
Myofibrillar myopathy 6. Identifiers: Orphanet 199340, MedGen C2751831, MONDO:0013061, OMIM 612954.

Submission:

Labcorp Genetics (formerly Invitae), Labcorp
Classification: Uncertain significance for Dilated cardiomyopathy 1HH; Myofibrillar myopathy 6. Last evaluated: 2022-09-10. Review status: criteria provided, single submitter. Criteria: Invitae Variant Classification Sherloc (09022015). Collection method: clinical testing. Allele origin: germline.
Comment: In summary, the available evidence is currently insufficient to determine the role of this variant in disease. Therefore, it has been classified as a Variant of Uncertain Significance. Experimental studies and prediction algorithms are not available or were not evaluated, and the functional significance of this variant is currently unknown. This variant has not been reported in the literature in individuals affected with BAG3-related conditions. This variant is not present in population databases (gnomAD no frequency). This variant, c.474_476del, results in the deletion of 1 amino acid(s) of the BAG3 protein (p.Ala160del), but otherwise preserves the integrity of the reading frame.

NM_004281.4(BAG3):c.468GGC[2] (p.Ala160del)

Gene: BAG3 (BAG cochaperone 3; plus strand). Cytogenetic location: 10q26.11.
Variant type: Microsatellite.
Coding change: c.468GGC[2] on transcript NM_004281.4 (MANE Select); two copies in a row of the 3-base unit GGC starting at c.468; the reference has three copies in a row; one copy, 3 bases deleted.
Protein change: p.Ala160del; deletes alanine 160.
Molecular consequence: inframe deletion.
Genome position (GRCh38, 1-based): chr10:119,670,144-119,670,146, GGC deleted; deleting any 3 consecutive bases within chr10:119,670,136-119,670,146 gives the same sequence; the position shown is the placement nearest the transcript's 3' end. VCF-style (leftmost placement, unchanged base first): chr10-119670135-AGCG-A. GRCh37 (hg19) VCF-style: chr10-121429647-AGCG-A.
Other names: short protein forms A160del.
Identifiers: ClinVar variation 2029850 (VCV002029850.4), dbSNP rs139438727, ClinGen allele CA912966568.